The following is an entry in ClinVar:

ClinVar aggregate classification (germline): Uncertain significance. Review status: criteria provided, multiple submitters, no conflicts (2 of 4 stars). 3 submissions from 3 submitters: Uncertain significance (3). Last evaluated 2024-12-03.

Conditions:
Donnai-Barrow syndrome. Also called: DBS/FOAR SYNDROME; FACIOOCULOACOUSTICORENAL SYNDROME. Identifiers: Orphanet 2143, MedGen C1857277, MONDO:0009104, OMIM 222448.
Inborn genetic diseases. Identifiers: MedGen C0950123, MeSH D030342.

Allele frequency attached by ClinVar (database versions not stated): gnomAD 0.00001; gnomAD exomes 0.00001.
gnomAD v4.1: 10 of 1,614,040 alleles (0.00062%); highest among the groups gnomAD compares: Non-Finnish European, 0.00085%; no homozygotes.

Submissions (3):

Ambry Genetics
Classification: Uncertain significance for Inborn genetic diseases. Last evaluated: 2024-12-03. Review status: criteria provided, single submitter. Criteria: Ambry Variant Classification Scheme 2023. Collection method: clinical testing. Allele origin: germline.

Labcorp Genetics (formerly Invitae), Labcorp
Classification: Uncertain significance. Last evaluated: 2022-06-13. Review status: criteria provided, single submitter. Criteria: Invitae Variant Classification Sherloc (09022015). Collection method: clinical testing. Allele origin: germline.
Comment: This sequence change replaces arginine, which is basic and polar, with glutamine, which is neutral and polar, at codon 2237 of the LRP2 protein (p.Arg2237Gln). This variant is present in population databases (no rsID available, gnomAD 0.002%). This variant has not been reported in the literature in individuals affected with LRP2-related conditions. Advanced modeling of protein sequence and biophysical properties (such as structural, functional, and spatial information, amino acid conservation, physicochemical variation, residue mobility, and thermodynamic stability) performed at Invitae indicates that this missense variant is expected to disrupt LRP2 protein function. Algorithms developed to predict the effect of sequence changes on RNA splicing suggest that this variant may create or strengthen a splice site. In summary, the available evidence is currently insufficient to determine the role of this variant in disease. Therefore, it has been classified as a Variant of Uncertain Significance.

Fulgent Genetics
Classification: Uncertain significance for Donnai-Barrow syndrome. Last evaluated: 2022-05-17. Review status: criteria provided, single submitter. Criteria: ACMG Guidelines, 2015. Collection method: clinical testing. Allele origin: unknown.

NM_004525.3(LRP2):c.6710G>A (p.Arg2237Gln)

Gene: LRP2 (LDL receptor related protein 2; minus strand). Cytogenetic location: 2q31.1.
Variant type: single nucleotide variant.
Coding change: c.6710G>A on transcript NM_004525.3 (MANE Select); coding-DNA position 6710, G replaced by A.
Protein change: p.Arg2237Gln; replaces arginine 2237 with glutamine.
Molecular consequence: missense variant.
Genome position (GRCh38, 1-based): chr2:169,207,010, C>T on the plus strand (G>A on the coding strand, the complement: LRP2 is on the minus strand). VCF-style: chr2-169207010-C-T. GRCh37 (hg19) VCF-style: chr2-170063520-C-T.
Other names: c.6710G>A (NM_004525.2); short protein forms R2237Q.
Identifiers: ClinVar variation 1463626 (VCV001463626.7), dbSNP rs927460259, ClinGen allele CA59934338.